The following is an entry in ClinVar:

NC_000002.11:g.(?_55522713)_(55527057_?)dup

Gene: CCDC88A (coiled-coil domain containing 88A; minus strand). Cytogenetic location: 2p16.1.
Variant type: Duplication.
Identifiers: ClinVar variation 1410213 (VCV001410213.7).

ClinVar aggregate classification (germline): Uncertain significance (1 of 4 stars; one submission).

Submission:

Labcorp Genetics (formerly Invitae), Labcorp
Classification: Uncertain significance. Last evaluated: 2023-10-09. Review status: criteria provided, single submitter. Criteria: Invitae Variant Classification Sherloc (09022015). Collection method: clinical testing. Allele origin: germline.
Comment: This variant is a complex rearrangement that results in a gain of exons 29-31. There is also some indication that the surrounding sequence could be disrupted, but the exact nature of this event is unknown This variant has not been reported in the literature in individuals affected with CCDC88A-related conditions. Experimental studies and prediction algorithms are not available or were not evaluated, and the functional significance of this variant is currently unknown. In summary, the available evidence is currently insufficient to determine the role of this variant in disease. Therefore, it has been classified as a Variant of Uncertain Significance.